The following is an entry in ClinVar:

ClinVar aggregate classification (germline): Uncertain significance (1 of 4 stars; one submission).

Conditions:
Pheochromocytoma/paraganglioma syndrome 3. Also called: GLOMUS TUMORS, FAMILIAL, 3; Paragangliomas 3; SDHC-Related Hereditary Paraganglioma-Pheochromocytoma Syndrome (Paragangliomas 3); SDHC-Related Hereditary Paraganglioma-Pheochromocytoma Syndrome. Identifiers: Orphanet 29072, MedGen C1854336, MONDO:0011544, OMIM 605373.
Gastrointestinal stromal tumor. Also called: Gastrointestinal stroma tumor; Gastrointestinal stromal tumor, somatic. Identifiers: Orphanet 44890, MedGen C0238198, MeSH D046152, MONDO:0011719, OMIM 606764, HP:0100723.

gnomAD v4.1: 1 of 1,613,524 alleles (0.000062%); highest among the groups gnomAD compares: Non-Finnish European, 0.000085%; no homozygotes.

Submission:

Labcorp Genetics (formerly Invitae), Labcorp
Classification: Uncertain significance for Pheochromocytoma/paraganglioma syndrome 3; Gastrointestinal stromal tumor. Last evaluated: 2025-08-20. Review status: criteria provided, single submitter. Criteria: Invitae Variant Classification Sherloc (09022015). Collection method: clinical testing. Allele origin: germline.
Comment: This sequence change replaces tryptophan, which is neutral and slightly polar, with cysteine, which is neutral and slightly polar, at codon 61 of the SDHC protein (p.Trp61Cys). This variant is not present in population databases (gnomAD no frequency). This variant has not been reported in the literature in individuals affected with SDHC-related conditions. ClinVar contains an entry for this variant (Variation ID: 2068240). An algorithm developed to predict the effect of missense changes on protein structure and function (PolyPhen-2) suggests that this variant is likely to be disruptive. In summary, the available evidence is currently insufficient to determine the role of this variant in disease. Therefore, it has been classified as a Variant of Uncertain Significance.

NM_003001.5(SDHC):c.183G>T (p.Trp61Cys)

Gene: SDHC (succinate dehydrogenase complex subunit C; plus strand). Cytogenetic location: 1q23.3.
Variant type: single nucleotide variant.
Coding change: c.183G>T on transcript NM_003001.5 (MANE Select); coding-DNA position 183, G replaced by T.
Protein change: p.Trp61Cys; replaces tryptophan 61 with cysteine.
Molecular consequence: missense variant.
Genome position (GRCh38, 1-based): chr1:161,340,597, G>T. VCF-style: chr1-161340597-G-T. GRCh37 (hg19) VCF-style: chr1-161310387-G-T.
Other names: c.183G>T, p.Trp61Cys (NM_001035511.3); c.81G>T, p.Trp27Cys (NM_001035512.3, NM_001278172.3, NM_001407118.1); c.24G>T, p.Trp8Cys (NM_001035513.3); c.303G>T, p.Trp101Cys (NM_001407115.1); c.126G>T, p.Trp42Cys (NM_001407116.1, NM_001407117.1, NM_001407121.1); c.72G>T, p.Trp24Cys (NM_001407119.1, NM_001407120.1); short protein forms W101C, W42C, W61C, W27C, W8C, W24C.
Identifiers: ClinVar variation 2068240 (VCV002068240.4), dbSNP rs1571869120, ClinGen allele CA343365633.